The following is an entry in ClinVar:

NM_003640.5(ELP1):c.2958+5G>A

Gene: ELP1 (elongator acetyltransferase complex subunit 1; minus strand). Cytogenetic location: 9q31.3.
Variant type: single nucleotide variant.
Coding change: c.2958+5G>A on transcript NM_003640.5 (MANE Select); 5 bases into the intron after coding-DNA position 2958, G replaced by A.
Molecular consequence: intron variant.
Genome position (GRCh38, 1-based): chr9:108,892,981, C>T on the plus strand (G>A on the coding strand, the complement: ELP1 is on the minus strand). VCF-style: chr9-108892981-C-T. GRCh37 (hg19) VCF-style: chr9-111655261-C-T.
Other names: c.2616+5G>A (NM_001318360.2); c.1911+5G>A (NM_001330749.2).
Identifiers: ClinVar variation 1800303 (VCV001800303.3), dbSNP rs2537882181, ClinGen allele CA2580079362.
Genomic context (GRCh38, chr9:108,892,981, plus strand): 5'-CTCACTCCTTTCCTACTAAAGCAAAAAGCAAAACCAGGAGAGCCTCATTTTCACATACCA[C>T]ATACCTGGTACTGTTGTGAGCTTGGTGAATATAACTTCAGAGCTTCGTTATACAAGTTTT-3'

ClinVar aggregate classification (germline): Uncertain significance. Review status: criteria provided, multiple submitters, no conflicts (2 of 4 stars). 2 submissions from 2 submitters: Uncertain significance (2). Last evaluated 2026-01-21.

Allele frequency attached by ClinVar (database versions not stated): gnomAD exomes below 0.00001.
gnomAD v4.1: 1 of 1,604,226 alleles (0.000062%); highest among the groups gnomAD compares: Non-Finnish European, 0.000085%; no homozygotes.

Submissions (2):

Labcorp Genetics (formerly Invitae), Labcorp
Classification: Uncertain significance. Last evaluated: 2026-01-21. Review status: criteria provided, single submitter. Criteria: Invitae Variant Classification Sherloc (09022015). Collection method: clinical testing. Allele origin: germline.
Comment: This sequence change falls in intron 27 of the ELP1 gene. It does not directly change the encoded amino acid sequence of the ELP1 protein. It affects a nucleotide within the consensus splice site. This variant is not present in population databases (gnomAD no frequency). This variant has not been reported in the literature in individuals affected with ELP1-related conditions. ClinVar contains an entry for this variant (Variation ID: 1800303). Variants that disrupt the consensus splice site are a relatively common cause of aberrant splicing (PMID: 17576681, 9536098). Algorithms developed to predict the effect of sequence changes on RNA splicing suggest that this variant may disrupt the consensus splice site. In summary, the available evidence is currently insufficient to determine the role of this variant in disease. Therefore, it has been classified as a Variant of Uncertain Significance.

Ambry Genetics
Classification: Uncertain significance. Last evaluated: 2020-05-26. Review status: criteria provided, single submitter. Criteria: Ambry Variant Classification Scheme 2023. Collection method: clinical testing. Allele origin: germline.
Comment: The c.2958+5G>A intronic variant results from a G to A substitution 5 nucleotides after coding exon 26 in the IKBKAP gene. This nucleotide position is well conserved in available vertebrate species. Using the ESEfinder and BDGP splice site prediction tools, this alteration is predicted to both weaken the native splice donor site and create a new alternate splice donor site; however, direct evidence is unavailable. Since supporting evidence is limited at this time, the clinical significance of this alteration remains unclear.

Literature cited by the submitters: PubMed 17576681 (cited by Labcorp Genetics (formerly Invitae), Labcorp); PubMed 9536098 (cited by Labcorp Genetics (formerly Invitae), Labcorp).